The following is an entry in ClinVar:

ClinVar aggregate classification (germline): Pathogenic (1 of 4 stars; one submission).

Conditions:
Arrhythmogenic cardiomyopathy with wooly hair and keratoderma. Also called: PALMOPLANTAR KERATODERMA WITH LEFT VENTRICULAR CARDIOMYOPATHY AND WOOLLY HAIR; Carvajal syndrome; Arrhythmogenic cardiomyopathy with woolly hair and keratoderma; Dilated cardiomyopathy with woolly hair and keratoderma. Identifiers: Orphanet 65282, MedGen C1854063, MONDO:0011581, OMIM 605676.
Arrhythmogenic right ventricular dysplasia 8 (ARVD8). Also called: Arrhythmogenic Right Ventricular Dysplasia/Cardiomyopathy 8; ARRHYTHMOGENIC RIGHT VENTRICULAR DYSPLASIA, FAMILIAL, 8; ARRHYTHMOGENIC RIGHT VENTRICULAR CARDIOMYOPATHY 8. Identifiers: MedGen C1843896, MONDO:0011831, OMIM 607450.

Submission:

Labcorp Genetics (formerly Invitae), Labcorp
Classification: Pathogenic for Arrhythmogenic cardiomyopathy with wooly hair and keratoderma; Arrhythmogenic right ventricular dysplasia 8. Last evaluated: 2024-05-14. Review status: criteria provided, single submitter. Criteria: Invitae Variant Classification Sherloc (09022015). Collection method: clinical testing. Allele origin: germline.
Comment: This sequence change creates a premature translational stop signal (p.Leu1756Profs*16) in the DSP gene. It is expected to result in an absent or disrupted protein product. Loss-of-function variants in DSP are known to be pathogenic (PMID: 20716751, 24503780, 25227139). This variant is not present in population databases (gnomAD no frequency). This variant has not been reported in the literature in individuals affected with DSP-related conditions. For these reasons, this variant has been classified as Pathogenic.

Literature cited by the submitters: PubMed 20716751; PubMed 24503780; PubMed 25227139.

NM_004415.4(DSP):c.5262_5266dup (p.Leu1756fs)

Gene: DSP (desmoplakin; plus strand). Cytogenetic location: 6p24.3.
Variant type: Duplication.
Coding change: c.5262_5266dup on transcript NM_004415.4 (MANE Select); coding-DNA positions 5262 to 5266, 5 bases duplicated (CCAGC; older notation c.5262_5266dupCCAGC).
Protein change: p.Leu1756fs; shifts the reading frame from leucine 1756.
Molecular consequence: frameshift variant. On other transcripts: intron variant (2).
Genome position (GRCh38, 1-based): chr6:7,581,452-7,581,456, CCAGC duplicated. VCF-style (leftmost placement, unchanged base first): chr6-7581451-G-GCCAGC. GRCh37 (hg19) VCF-style: chr6-7581684-G-GCCAGC.
Other names: c.4051-1190_4051-1186dup (NM_001319034.2); c.3583-1190_3583-1186dup (NM_001008844.3); short protein forms L1756fs.
Identifiers: ClinVar variation 2953580 (VCV002953580.3), dbSNP rs2533932302, ClinGen allele CA2740090888.